The following is an entry in ClinVar:

ClinVar aggregate classification (germline): Uncertain significance (1 of 4 stars; one submission).

Submission:

GeneDx
Classification: Uncertain significance. Last evaluated: 2023-05-24. Review status: criteria provided, single submitter. Criteria: GeneDx Variant Classification Process June 2021. Collection method: clinical testing. Allele origin: germline. Affected: yes.
Comment: Not observed at significant frequency in large population cohorts (gnomAD); In silico analysis supports that this missense variant has a deleterious effect on protein structure/function; Has not been previously published as pathogenic or benign to our knowledge

NM_001134831.2(AHI1):c.1097T>G (p.Val366Gly)

Gene: AHI1 (Abelson helper integration site 1; minus strand). Cytogenetic location: 6q23.3.
Variant type: single nucleotide variant.
Coding change: c.1097T>G on transcript NM_001134831.2 (MANE Select); coding-DNA position 1097, T replaced by G.
Protein change: p.Val366Gly; replaces valine 366 with glycine.
Molecular consequence: missense variant.
Genome position (GRCh38, 1-based): chr6:135,457,548, A>C on the plus strand (T>G on the coding strand, the complement: AHI1 is on the minus strand). VCF-style: chr6-135457548-A-C. GRCh37 (hg19) VCF-style: chr6-135778686-A-C.
Other names: c.1097T>G, p.Val366Gly (NM_001134830.2, NM_001134832.2, NM_001350503.2 and 2 more transcripts); short protein forms V366G.
Identifiers: ClinVar variation 3362029 (VCV003362029.1).